The following is an entry in ClinVar:

ClinVar aggregate classification (germline): Uncertain significance (1 of 4 stars; one submission).

gnomAD v4.1: 1 of 1,614,060 alleles (0.000062%); highest among the groups gnomAD compares: South Asian, 0.0011%; no homozygotes.

Submission:

Ambry Genetics
Classification: Uncertain significance. Last evaluated: 2023-07-27. Review status: criteria provided, single submitter. Criteria: Ambry Variant Classification Scheme 2023. Collection method: clinical testing. Allele origin: germline.
Comment: The p.D373H variant (also known as c.1117G>C), located in coding exon 9 of the FAM175A gene, results from a G to C substitution at nucleotide position 1117. The aspartic acid at codon 373 is replaced by histidine, an amino acid with similar properties. This amino acid position is conserved. In addition, this alteration is predicted to be tolerated by in silico analysis. Since supporting evidence is limited at this time, the clinical significance of this alteration remains unclear.

NM_139076.3(ABRAXAS1):c.1117G>C (p.Asp373His)

Gene: ABRAXAS1 (abraxas 1, BRCA1 A complex subunit; minus strand). Cytogenetic location: 4q21.23.
Variant type: single nucleotide variant.
Coding change: c.1117G>C on transcript NM_139076.3 (MANE Select); coding-DNA position 1117, G replaced by C.
Protein change: p.Asp373His; replaces aspartic acid 373 with histidine.
Molecular consequence: missense variant.
Genome position (GRCh38, 1-based): chr4:83,462,582, C>G on the plus strand (G>C on the coding strand, the complement: ABRAXAS1 is on the minus strand). VCF-style: chr4-83462582-C-G. GRCh37 (hg19) VCF-style: chr4-84383735-C-G.
Other names: c.790G>C, p.Asp264His (NM_001345962.2); short protein forms D373H, D264H.
Identifiers: ClinVar variation 2625946 (VCV002625946.2), dbSNP rs13125836, ClinGen allele CA357255099.